The following is an entry in ClinVar:

NM_199242.3(UNC13D):c.2002C>T (p.Arg668Cys)

Gene: UNC13D (unc-13 homolog D; minus strand). Cytogenetic location: 17q25.1.
Variant type: single nucleotide variant.
Coding change: c.2002C>T on transcript NM_199242.3 (MANE Select); coding-DNA position 2002, C replaced by T.
Protein change: p.Arg668Cys; replaces arginine 668 with cysteine.
Molecular consequence: missense variant.
Genome position (GRCh38, 1-based): chr17:75,834,707, G>A on the plus strand (C>T on the coding strand, the complement: UNC13D is on the minus strand). VCF-style: chr17-75834707-G-A. GRCh37 (hg19) VCF-style: chr17-73830788-G-A.
Other names: short protein forms R668C.
Identifiers: ClinVar variation 325258 (VCV000325258.17), dbSNP rs376137910, ClinGen allele CA8772704.

ClinVar aggregate classification (germline): Conflicting classifications of pathogenicity. Review status: criteria provided, conflicting classifications (1 of 4 stars). 3 submissions from 3 submitters: Uncertain significance (2); Likely benign (1). Last evaluated 2026-02-04.

Conditions:
Familial hemophagocytic lymphohistiocytosis 3 (FHL3). Also called: UNC13D-Related Familial Hemophagocytic Lymphohistiocytosis (UNC13D-fHLH). Identifiers: Orphanet 540, MedGen C1837174, MONDO:0012146, OMIM 608898.

Allele frequency attached by ClinVar (database versions not stated): gnomAD 0.00004; ESP Exome Variant Server 0.00008; gnomAD exomes 0.00011 and 0.00035; TOPMed 0.00015; ExAC 0.00041.
gnomAD v4.1: 169 of 1,613,482 alleles (0.01%); highest among the groups gnomAD compares: Admixed American, 0.14%; no homozygotes.

Submissions (3):

Labcorp Genetics (formerly Invitae), Labcorp
Classification: Likely benign for Familial hemophagocytic lymphohistiocytosis 3. Last evaluated: 2026-02-04. Review status: criteria provided, single submitter. Criteria: Invitae Variant Classification Sherloc (09022015). Collection method: clinical testing. Allele origin: germline.

Baylor Genetics
Classification: Uncertain significance for Familial hemophagocytic lymphohistiocytosis 3. Last evaluated: 2019-03-06. Review status: criteria provided, single submitter. Criteria: ACMG Guidelines, 2015. Collection method: clinical testing. Allele origin: unknown. Affected: yes. Study: CSER-TexasKidsCanSeq.
Comment: This variant was determined to be of uncertain significance according to ACMG Guidelines, 2015 [PMID:25741868].

Illumina Laboratory Services, Illumina
Classification: Uncertain significance for Familial hemophagocytic lymphohistiocytosis 3. Last evaluated: 2018-01-13. Review status: criteria provided, single submitter. Criteria: ICSL Variant Classification Criteria 13 December 2019. Collection method: clinical testing. Allele origin: germline.